The following is an entry in ClinVar:

NM_000439.5(PCSK1):c.893G>A (p.Gly298Glu)

Genes: CAST (calpastatin; plus strand), PCSK1 (proprotein convertase subtilisin/kexin type 1; minus strand), LOC101929710 (uncharacterized LOC101929710; plus strand). Cytogenetic location: 5q15.
Variant type: single nucleotide variant.
Coding change: c.893G>A on transcript NM_000439.5 (MANE Select); coding-DNA position 893, G replaced by A.
Protein change: p.Gly298Glu; replaces glycine 298 with glutamic acid.
Molecular consequence: missense variant. On other transcripts: intron variant (11).
Genome position (GRCh38, 1-based): chr5:96,410,976, C>T on the plus strand (G>A on the coding strand, the complement: PCSK1 is on the minus strand). VCF-style: chr5-96410976-C-T. GRCh37 (hg19) VCF-style: chr5-95746680-C-T.
Other names: c.752G>A, p.Gly251Glu (NM_001177875.2); c.-175+31324C>T (NM_001423254.1, NM_001423259.1, NM_001423255.1 and 6 more transcripts); c.-103+31324C>T (NM_001423253.1); c.-40+31324C>T (NM_001423258.1); short protein forms G298E, G251E.
Identifiers: ClinVar variation 4982875 (VCV004982875.1).
Genomic context (GRCh38, chr5:96,410,976, plus strand): 5'-TCACAATTATCTCCCTGACGCCCCCCGTTTCCCGAAGCCCAGACGAAGATGGACCCCTTC[C>T]CCTGTCTCCCCTAAAGGAAAAGCCAGAATGCATATTATCTGTTATCATCTATTGGGGTCA-3'
Protein context (NP_000430.3, residues 288-308): FEYGVKQGRQ[Gly298Glu]KGSIFVWASG

ClinVar aggregate classification (germline): Uncertain significance (1 of 4 stars; one submission).

Conditions:
PCSK1-related disorder. Also called: PCSK1-related condition.

gnomAD v4.1: 5 of 1,612,358 alleles (0.00031%); highest among the groups gnomAD compares: Non-Finnish European, 0.00042%; no homozygotes.

Submission:

PreventionGenetics, part of Exact Sciences
Classification: Uncertain significance for PCSK1-related condition. Last evaluated: 2024-11-05. Review status: criteria provided, single submitter. Criteria: ACMG Guidelines, 2015. Collection method: clinical testing. Allele origin: germline.
Comment: The PCSK1 c.893G>A variant is predicted to result in the amino acid substitution p.Gly298Glu. This variant was observed in a cohort of obese individuals, and in vitro functional studies showed suggestive evidence of loss of function (Supplemental Data Set, Shah et al. 2023. PubMed ID: 36864747; Mohammed et al. 2023. PubMed ID: 37329217). To our knowledge, this variant has not been reported in a large population database (gnomAD), indicating this variant is rare. At this time, the clinical significance of this variant is uncertain due to the absence of conclusive functional and genetic evidence.